The following is an entry in ClinVar:

NM_001042492.3(NF1):c.6162G>T (p.Met2054Ile)

Gene: NF1 (neurofibromin 1; plus strand). Cytogenetic location: 17q11.2.
Variant type: single nucleotide variant.
Coding change: c.6162G>T on transcript NM_001042492.3 (MANE Select); coding-DNA position 6162, G replaced by T.
Protein change: p.Met2054Ile; replaces methionine 2054 with isoleucine.
Molecular consequence: missense variant.
Genome position (GRCh38, 1-based): chr17:31,336,649, G>T. VCF-style: chr17-31336649-G-T. GRCh37 (hg19) VCF-style: chr17-29663667-G-T.
Other names: c.6099G>T, p.Met2033Ile (NM_000267.4); short protein forms M2033I, M2054I.
Identifiers: ClinVar variation 233807 (VCV000233807.3), dbSNP rs876660651, ClinGen allele CA10580370.

ClinVar aggregate classification (germline): Uncertain significance (1 of 4 stars; one submission).

Conditions:
Hereditary cancer-predisposing syndrome. Also called: Neoplastic Syndromes, Hereditary; Tumor predisposition; Hereditary Cancer Syndrome; Hereditary neoplastic syndrome. Identifiers: Orphanet 140162, MedGen C0027672, MeSH D009386, MONDO:0015356.

Submission:

Ambry Genetics
Classification: Uncertain significance for Hereditary cancer-predisposing syndrome. Last evaluated: 2015-09-09. Review status: criteria provided, single submitter. Criteria: Ambry Autosomal Dominant and X-Linked criteria (10/2015). Collection method: clinical testing. Allele origin: germline. Observed: 1 variant allele.
Comment: The p.M2054I variant (also known as c.6162G>T), located in coding exon 42 of the NF1 gene, results from a G to T substitution at nucleotide position 6162. The methionine at codon 2054 is replaced by isoleucine, an amino acid with highly similar properties. This variant was not reported in population based cohorts in the following databases: Database of Single Nucleotide Polymorphisms (dbSNP), NHLBI Exome Sequencing Project (ESP), and 1000 Genomes Project. In the ESP, this variant was not observed in 6503 samples (13006 alleles) with coverage at this position. To date, this alteration has been detected with an allele frequency of approximately 0.002% (greater than 55000alleles tested) in our clinical cohort.This amino acid position is highly conserved in available vertebrate species. In addition, this alteration is predicted to be deleterious by in silico analysis.Since supporting evidence is limited at this time, the clinical significance of p.M2054Iremains unclear.